The following is an entry in ClinVar:

NM_015922.3(NSDHL):c.71A>G (p.Lys24Arg)

Gene: NSDHL (NAD(P) dependent 3-beta-hydroxysteroid dehydrogenase NSDHL; plus strand). Cytogenetic location: Xq28.
Variant type: single nucleotide variant.
Coding change: c.71A>G on transcript NM_015922.3 (MANE Select); coding-DNA position 71, A replaced by G.
Protein change: p.Lys24Arg; replaces lysine 24 with arginine.
Molecular consequence: missense variant.
Genome position (GRCh38, 1-based): chrX:152,846,395, A>G. VCF-style: chrX-152846395-A-G. GRCh37 (hg19) VCF-style: chrX-152014939-A-G.
Other names: c.71A>G, p.Lys24Arg (NM_001129765.2); short protein forms K24R.
Identifiers: ClinVar variation 1933287 (VCV001933287.30), dbSNP rs201339444, ClinGen allele CA10544702.

ClinVar aggregate classification (germline): Conflicting classifications of pathogenicity. Review status: criteria provided, conflicting classifications (1 of 4 stars). 3 submissions from 3 submitters: Uncertain significance (1); Likely benign (2). Last evaluated 2022-08-01.

Conditions:
Intellectual disability. Also called: Intellectual developmental disorder; Intellectual functioning disability; intellectual disabilities. Identifiers: MedGen C3714756, MeSH D008607, MONDO:0001071, HP:0001249.

Allele frequency attached by ClinVar (database versions not stated): gnomAD 0.00004; gnomAD exomes 0.00006; ExAC 0.00002; TOPMed 0.00003.

Submissions (3):

CeGaT Center for Human Genetics Tuebingen
Classification: Likely benign. Last evaluated: 2022-08-01. Review status: criteria provided, single submitter. Criteria: CeGaT Center For Human Genetics Tuebingen Variant Classification Criteria Version 2. Collection method: clinical testing. Allele origin: germline. Affected: yes. Observed: 2 variant alleles.
Comment: NSDHL: BP4

Labcorp Genetics (formerly Invitae), Labcorp
Classification: Uncertain significance. Last evaluated: 2022-06-28. Review status: criteria provided, single submitter. Criteria: Invitae Variant Classification Sherloc (09022015). Collection method: clinical testing. Allele origin: germline.
Comment: In summary, the available evidence is currently insufficient to determine the role of this variant in disease. Therefore, it has been classified as a Variant of Uncertain Significance. Algorithms developed to predict the effect of missense changes on protein structure and function output the following: SIFT: "Tolerated"; PolyPhen-2: "Benign"; Align-GVGD: "Class C0". The arginine amino acid residue is found in multiple mammalian species, which suggests that this missense change does not adversely affect protein function. This variant has not been reported in the literature in individuals affected with NSDHL-related conditions. This variant is present in population databases (rs201339444, gnomAD 0.004%), including at least one homozygous and/or hemizygous individual. This sequence change replaces lysine, which is basic and polar, with arginine, which is basic and polar, at codon 24 of the NSDHL protein (p.Lys24Arg).

Cambridge Genomics Laboratory, East Genomic Laboratory Hub, NHS Genomic Medicine Service
Classification: Likely benign for Intellectual disability. Last evaluated: 2019-04-17. Review status: criteria provided, single submitter. Criteria: ACGS Best Practice Guidelines for Variant Classification in Rare Disease 2020. Collection method: clinical testing. Allele origin: germline. Affected: yes. Observed: 1 variant allele.